The following is an entry in ClinVar:

NM_182961.4(SYNE1):c.28T>C (p.Cys10Arg)

Gene: SYNE1 (spectrin repeat containing nuclear envelope protein 1; minus strand). Cytogenetic location: 6q25.2.
Variant type: single nucleotide variant.
Coding change: c.28T>C on transcript NM_182961.4 (MANE Select); coding-DNA position 28, T replaced by C.
Protein change: p.Cys10Arg; replaces cysteine 10 with arginine.
Molecular consequence: missense variant.
Genome position (GRCh38, 1-based): chr6:152,628,304, A>G on the plus strand (T>C on the coding strand, the complement: SYNE1 is on the minus strand). VCF-style: chr6-152628304-A-G. GRCh37 (hg19) VCF-style: chr6-152949439-A-G.
Other names: c.28T>C, p.Cys10Arg (NM_033071.5); short protein forms C10R.
Identifiers: ClinVar variation 2657041 (VCV002657041.24), dbSNP rs2516871810, ClinGen allele CA366215735.

ClinVar aggregate classification (germline): Uncertain significance (1 of 4 stars; one submission).

gnomAD v4.1: 2 of 1,614,180 alleles (0.00012%); highest among the groups gnomAD compares: South Asian, 0.0011%; no homozygotes.

Submission:

CeGaT Center for Human Genetics Tuebingen
Classification: Uncertain significance. Last evaluated: 2022-07-01. Review status: criteria provided, single submitter. Criteria: CeGaT Center For Human Genetics Tuebingen Variant Classification Criteria Version 2. Collection method: clinical testing. Allele origin: germline. Affected: yes. Observed: 1 variant allele.
Comment: SYNE1: PM2, BP4